The following is an entry in ClinVar:

NM_001197104.2(KMT2A):c.949G>C (p.Gly317Arg)

Gene: KMT2A (lysine methyltransferase 2A; plus strand). Cytogenetic location: 11q23.3.
Variant type: single nucleotide variant.
Coding change: c.949G>C on transcript NM_001197104.2 (MANE Select); coding-DNA position 949, G replaced by C.
Protein change: p.Gly317Arg; replaces glycine 317 with arginine.
Molecular consequence: missense variant.
Genome position (GRCh38, 1-based): chr11:118,472,108, G>C. VCF-style: chr11-118472108-G-C. GRCh37 (hg19) VCF-style: chr11-118342823-G-C.
Other names: c.949G>C, p.Gly317Arg (NM_005933.4); short protein forms G317R.
Identifiers: ClinVar variation 1359533 (VCV001359533.6), dbSNP rs1228808276, ClinGen allele CA382808575.
Genomic context (GRCh38, chr11:118,472,108, plus strand): 5'-GTACAAATTGTACGACGGAGAGGAAGGCCTCCATCAACAGAAAGGATAAAGACCCCTTCG[G>C]GTCTCCTCATTAATTCTGAACTGGAAAAGCCCCAGAAAGTCCGGAAAGACAAGGAAGGAA-3'
Protein context (NP_001184033.1, residues 307-327): PSTERIKTPS[Gly317Arg]LLINSELEKP

ClinVar aggregate classification (germline): Uncertain significance (1 of 4 stars; one submission).

Allele frequency attached by ClinVar (database versions not stated): gnomAD 0.00001; gnomAD exomes 0.00001; TOPMed 0.00001.
gnomAD v4.1: 15 of 1,613,846 alleles (0.00093%); highest among the groups gnomAD compares: Admixed American, 0.0033%; no homozygotes.

Submission:

Labcorp Genetics (formerly Invitae), Labcorp
Classification: Uncertain significance. Last evaluated: 2024-05-23. Review status: criteria provided, single submitter. Criteria: Invitae Variant Classification Sherloc (09022015). Collection method: clinical testing. Allele origin: germline.
Comment: This sequence change replaces glycine, which is neutral and non-polar, with arginine, which is basic and polar, at codon 317 of the KMT2A protein (p.Gly317Arg). This variant is present in population databases (no rsID available, gnomAD 0.003%). This variant has not been reported in the literature in individuals affected with KMT2A-related conditions. ClinVar contains an entry for this variant (Variation ID: 1359533). Advanced modeling of protein sequence and biophysical properties (such as structural, functional, and spatial information, amino acid conservation, physicochemical variation, residue mobility, and thermodynamic stability) performed at Invitae indicates that this missense variant is not expected to disrupt KMT2A protein function with a negative predictive value of 95%. In summary, the available evidence is currently insufficient to determine the role of this variant in disease. Therefore, it has been classified as a Variant of Uncertain Significance.